The following is an entry in ClinVar:

NM_153006.3(NAGS):c.1389C>G (p.Cys463Trp)

Gene: NAGS (N-acetylglutamate synthase; plus strand). Cytogenetic location: 17q21.31.
Variant type: single nucleotide variant.
Coding change: c.1389C>G on transcript NM_153006.3 (MANE Select); coding-DNA position 1389, C replaced by G.
Protein change: p.Cys463Trp; replaces cysteine 463 with tryptophan.
Molecular consequence: missense variant.
Genome position (GRCh38, 1-based): chr17:44,007,711, C>G. VCF-style: chr17-44007711-C-G. GRCh37 (hg19) VCF-style: chr17-42085079-C-G.
Other names: short protein forms C463W.
Identifiers: ClinVar variation 2014163 (VCV002014163.4), dbSNP rs1180126169, ClinGen allele CA399727890.

ClinVar aggregate classification (germline): Uncertain significance (1 of 4 stars; one submission).

Conditions:
Hyperammonemia, type III (NAGSD). Also called: Hyperammonemia due to N-acetylglutamate synthase deficiency. Identifiers: Orphanet 927, MedGen C0268543, MONDO:0009377, OMIM 237310.

Submission:

Labcorp Genetics (formerly Invitae), Labcorp
Classification: Uncertain significance for Hyperammonemia, type III. Last evaluated: 2022-07-04. Review status: criteria provided, single submitter. Criteria: Invitae Variant Classification Sherloc (09022015). Collection method: clinical testing. Allele origin: germline.
Comment: In summary, the available evidence is currently insufficient to determine the role of this variant in disease. Therefore, it has been classified as a Variant of Uncertain Significance. Algorithms developed to predict the effect of missense changes on protein structure and function are either unavailable or do not agree on the potential impact of this missense change (SIFT: "Deleterious"; PolyPhen-2: "Probably Damaging"; Align-GVGD: "Class C0"). This variant has not been reported in the literature in individuals affected with NAGS-related conditions. This variant is not present in population databases (gnomAD no frequency). This sequence change replaces cysteine, which is neutral and slightly polar, with tryptophan, which is neutral and slightly polar, at codon 463 of the NAGS protein (p.Cys463Trp).